The following is an entry in ClinVar:

ClinVar aggregate classification (germline): Uncertain significance (1 of 4 stars; one submission).

Conditions:
Hereditary breast ovarian cancer syndrome. Also called: Hereditary breast and ovarian cancer; BRCA1- and BRCA2-Associated Hereditary Breast and Ovarian Cancer; Hereditary breast and ovarian cancer syndrome; Hereditary breast and ovarian cancer syndrome (HBOC); Breast and ovarian cancer; Hereditary breast and/or ovarian cancer syndrome. Identifiers: Orphanet 145, MedGen C0677776, MeSH D061325, MONDO:0003582. Disease mechanism: loss of function.

Submission:

Labcorp Genetics (formerly Invitae), Labcorp
Classification: Uncertain significance for Hereditary breast ovarian cancer syndrome. Last evaluated: 2023-01-29. Review status: criteria provided, single submitter. Criteria: Invitae Variant Classification Sherloc (09022015). Collection method: clinical testing. Allele origin: germline.
Comment: In summary, the available evidence is currently insufficient to determine the role of this variant in disease. Therefore, it has been classified as a Variant of Uncertain Significance. Advanced modeling of protein sequence and biophysical properties (such as structural, functional, and spatial information, amino acid conservation, physicochemical variation, residue mobility, and thermodynamic stability) performed at Invitae indicates that this missense variant is not expected to disrupt BRCA2 protein function. This variant has not been reported in the literature in individuals affected with BRCA2-related conditions. This variant is not present in population databases (gnomAD no frequency). This sequence change replaces asparagine, which is neutral and polar, with histidine, which is basic and polar, at codon 1778 of the BRCA2 protein (p.Asn1778His).

NM_000059.4(BRCA2):c.5332A>C (p.Asn1778His)

Gene: BRCA2 (BRCA2 DNA repair associated; plus strand). Cytogenetic location: 13q13.1.
Variant type: single nucleotide variant.
Coding change: c.5332A>C on transcript NM_000059.4 (MANE Select); coding-DNA position 5332, A replaced by C.
Protein change: p.Asn1778His; replaces asparagine 1778 with histidine.
Molecular consequence: missense variant. On other transcripts: non-coding transcript variant (1), intron variant (2).
Genome position (GRCh38, 1-based): chr13:32,339,687, A>C. VCF-style: chr13-32339687-A-C. GRCh37 (hg19) VCF-style: chr13-32913824-A-C.
Other names: c.5332A>C, p.Asn1778His (NM_001406719.1, NM_001406720.1); c.1910-4871A>C (NM_001406721.1); c.425-4871A>C (NM_001406722.1); short protein forms N1778H.
Identifiers: ClinVar variation 2831990 (VCV002831990.3), dbSNP rs2137516440, ClinGen allele CA387784937.
Genomic context (GRCh38, chr13:32,339,687, plus strand): 5'-AATGATTCAGGATATCTCTCAAAAAATAAACTTGATTCTGGTATTGAGCCAGTATTGAAG[A>C]ATGTTGAAGATCAAAAAAACACTAGTTTTTCCAAAGTAATATCCAATGTAAAAGATGCAA-3'
Protein context (NP_000050.3, residues 1768-1788): LDSGIEPVLK[Asn1778His]VEDQKNTSFS